The following is an entry in ClinVar:

NM_007294.4(BRCA1):c.4627G>T (p.Gly1543Trp)

Gene: BRCA1 (BRCA1 DNA repair associated; minus strand). Cytogenetic location: 17q21.31.
Variant type: single nucleotide variant.
Coding change: c.4627G>T on transcript NM_007294.4 (MANE Select); coding-DNA position 4627, G replaced by T.
Protein change: p.Gly1543Trp; replaces glycine 1543 with tryptophan.
Molecular consequence: missense variant. On other transcripts: intron variant (3).
Genome position (GRCh38, 1-based): chr17:43,074,379, C>A on the plus strand (G>T on the coding strand, the complement: BRCA1 is on the minus strand). VCF-style: chr17-43074379-C-A. GRCh37 (hg19) VCF-style: chr17-41226396-C-A.
Other names: c.4414G>T, p.Gly1472Trp (NM_001407571.1, NM_001407894.1, NM_001407895.1 and 12 more transcripts); c.4693G>T, p.Gly1565Trp (NM_001407581.1, NM_001407582.1); c.4690G>T, p.Gly1564Trp (NM_001407583.1, NM_001407585.1, NM_001407587.1 and 1 more transcripts); c.4687G>T, p.Gly1563Trp (NM_001407590.1, NM_001407591.1); c.4627G>T, p.Gly1543Trp (NM_001407593.1, NM_001407594.1, NM_001407596.1 and 8 more transcripts); c.4624G>T, p.Gly1542Trp (NM_001407610.1, NM_001407611.1, NM_001407612.1 and 17 more transcripts); c.4621G>T, p.Gly1541Trp (NM_001407627.1, NM_001407628.1, NM_001407629.1 and 14 more transcripts); c.4618G>T, p.Gly1540Trp (NM_001407644.1, NM_001407645.1); and 71 more; short protein forms G1246W, G1247W, G1374W, G1414W, G1415W, G1416W, G1430W, G1431W.
Identifiers: ClinVar variation 3386156 (VCV003386156.1).

ClinVar aggregate classification (germline): Uncertain significance (1 of 4 stars; one submission).

Conditions:
BRCA1-related cancer predisposition. Identifiers: MedGen CN377757, MONDO:0700268.

Submission:

All of Us Research Program, National Institutes of Health
Classification: Uncertain significance for BRCA1-related cancer predisposition. Last evaluated: 2024-03-24. Review status: criteria provided, single submitter. Criteria: ACMG Guidelines, 2015. Collection method: clinical testing. Allele origin: germline. Inheritance: Autosomal dominant inheritance. Observed: 1 variant allele, 1 heterozygote.
Comment: This missense variant replaces glycine with tryptophan at codon 1543 of the BRCA1 protein. Computational prediction is inconclusive regarding the impact of this variant on protein structure and function. To our knowledge, functional studies have not been reported for this variant. This variant has not been reported in individuals affected with BRCA1-related disorders in the literature. This variant has not been identified in the general population by the Genome Aggregation Database (gnomAD). The available evidence is insufficient to determine the role of this variant in disease conclusively. Therefore, this variant is classified as a Variant of Uncertain Significance.

This study involves interpretation of variants in research participants for the purpose of population health screening. Participant phenotype was not available at the time of variant classification. Additional details can be found in publication PMID: 35346344, PMCID: PMC8962531